The following is an entry in ClinVar:

ClinVar aggregate classification (germline): Pathogenic/Likely pathogenic. Review status: criteria provided, multiple submitters, no conflicts (2 of 4 stars). 2 submissions from 2 submitters: Pathogenic (1); Likely pathogenic (1). Last evaluated 2026-01-18.

Conditions:
VPS13A-related neurodegenerative disease. Also called: Choreaacanthocytosis; ACANTHOCYTOSIS WITH NEUROLOGIC DISORDER; Chorea-acanthocytosis; Choreoacanthocytosis; VPS13A Disease; LEVINE-CRITCHLEY SYNDROME. Identifiers: Orphanet 2388, MedGen C0393576, MONDO:0008695, OMIM 200150.

Submissions (2):

Labcorp Genetics (formerly Invitae), Labcorp
Classification: Pathogenic. Last evaluated: 2026-01-18. Review status: criteria provided, single submitter. Criteria: Invitae Variant Classification Sherloc (09022015). Collection method: clinical testing. Allele origin: germline.
Comment: This sequence change creates a premature translational stop signal (p.Val906*) in the VPS13A gene. It is expected to result in an absent or disrupted protein product. Loss-of-function variants in VPS13A are known to be pathogenic (PMID: 12404112, 21598378). This variant is present in population databases (no rsID available, gnomAD 0.002%). This variant has not been reported in the literature in individuals affected with VPS13A-related conditions. ClinVar contains an entry for this variant (Variation ID: 1426013). For these reasons, this variant has been classified as Pathogenic.

Natera, Inc.
Classification: Likely pathogenic for Choreaacanthocytosis. Last evaluated: 2026-01-06. Review status: criteria provided, single submitter. Criteria: Natera Variant Classification Schema (03/2026). Collection method: clinical testing. Allele origin: germline.
Comment: The c.2716delG variant in VPS13A is a frameshift variant predicted to shift the reading frame and introduce a stop codon. This variant is expected to result in nonsense mediated decay, truncation, or a dysfunctional protein product. This variant is rare in the general population with a frequency below the threshold expected for the associated phenotype(s). Given the available evidence, this variant is classified as Likely Pathogenic.

Literature cited by the submitters: PubMed 12404112 (cited by Labcorp Genetics (formerly Invitae), Labcorp); PubMed 21598378 (cited by Labcorp Genetics (formerly Invitae), Labcorp).

NM_033305.3(VPS13A):c.2716del (p.Val905_Val906insTer)

Gene: VPS13A (vacuolar protein sorting 13 homolog A; plus strand). Cytogenetic location: 9q21.2.
Variant type: Deletion.
Coding change: c.2716del on transcript NM_033305.3 (MANE Select); coding-DNA position 2716, one base deleted (G; older notation c.2716delG).
Protein change: p.Val905_Val906insTer.
Molecular consequence: nonsense.
Genome position (GRCh38, 1-based): chr9:77,276,113, G deleted; the last of 2 consecutive G bases (chr9:77,276,112-77,276,113); deleting either gives the same sequence. VCF-style (leftmost placement, unchanged base first): chr9-77276111-TG-T. GRCh37 (hg19) VCF-style: chr9-79891027-TG-T.
Other names: c.2716del, p.Val905_Val906insTer (NM_001018037.2, NM_001018038.3, NM_015186.4); c.2716delG (NM_033305.2).
Identifiers: ClinVar variation 1426013 (VCV001426013.8), dbSNP rs1185750493, ClinGen allele CA588474403.